The following is an entry in ClinVar:

ClinVar aggregate classification (germline): Likely benign. Review status: criteria provided, multiple submitters, no conflicts (2 of 4 stars). 2 submissions from 2 submitters: Likely benign (2). Last evaluated 2026-08-01.

Conditions:
Carnitine acylcarnitine translocase deficiency (CACTD). Identifiers: Orphanet 159, MedGen C0342791, MONDO:0008918, OMIM 212138.

Allele frequency attached by ClinVar (database versions not stated): ExAC 0.00001; gnomAD 0.00001; gnomAD exomes below 0.00001; TOPMed below 0.00001.
gnomAD v4.1: 4 of 1,613,724 alleles (0.00025%); highest among the groups gnomAD compares: Admixed American, 0.0017%; no homozygotes.

Submissions (2):

CeGaT Center for Human Genetics Tuebingen
Classification: Likely benign. Last evaluated: 2026-08-01. Review status: criteria provided, single submitter. Criteria: CeGaT Center For Human Genetics Tuebingen Variant Classification Criteria Version 2. Collection method: clinical testing. Allele origin: germline. Affected: yes. Observed: 1 variant allele.
Comment: SLC25A20: BP4, BP7

Labcorp Genetics (formerly Invitae), Labcorp
Classification: Likely benign for Carnitine acylcarnitine translocase deficiency. Last evaluated: 2024-07-13. Review status: criteria provided, single submitter. Criteria: Invitae Variant Classification Sherloc (09022015). Collection method: clinical testing. Allele origin: germline.

NM_000387.6(SLC25A20):c.600G>A (p.Glu200=)

Gene: SLC25A20 (solute carrier family 25 member 20; minus strand). Cytogenetic location: 3p21.31.
Variant type: single nucleotide variant.
Coding change: c.600G>A on transcript NM_000387.6 (MANE Select); coding-DNA position 600, G replaced by A.
Protein change: p.Glu200=; no amino-acid change (glutamic acid 200 retained).
Molecular consequence: synonymous variant.
Genome position (GRCh38, 1-based): chr3:48,859,563, C>T on the plus strand (G>A on the coding strand, the complement: SLC25A20 is on the minus strand). VCF-style: chr3-48859563-C-T. GRCh37 (hg19) VCF-style: chr3-48896996-C-T.
Identifiers: ClinVar variation 2897813 (VCV002897813.4), dbSNP rs774271314, ClinGen allele CA2387348.